The following is an entry in ClinVar:

ClinVar aggregate classification (germline): Uncertain significance (1 of 4 stars; one submission).

Submission:

Labcorp Genetics (formerly Invitae), Labcorp
Classification: Uncertain significance. Last evaluated: 2025-06-10. Review status: criteria provided, single submitter. Criteria: Invitae Variant Classification Sherloc (09022015). Collection method: clinical testing. Allele origin: germline.
Comment: This variant, c.786_791dup, results in the insertion of 2 amino acid(s) of the ERCC3 protein (p.Glu263_Glu264dup), but otherwise preserves the integrity of the reading frame. This variant is not present in population databases (gnomAD no frequency). This variant has not been reported in the literature in individuals affected with ERCC3-related conditions. Experimental studies and prediction algorithms are not available or were not evaluated, and the functional significance of this variant is currently unknown. In summary, the available evidence is currently insufficient to determine the role of this variant in disease. Therefore, it has been classified as a Variant of Uncertain Significance.

NM_000122.2(ERCC3):c.777AGA[7] (p.Glu264_Thr265insGluGlu)

Gene: ERCC3 (ERCC excision repair 3, TFIIH core complex helicase subunit; minus strand). Cytogenetic location: 2q14.3.
Variant type: Microsatellite.
Coding change: c.777AGA[7] on transcript NM_000122.2 (MANE Select); seven copies in a row of the 3-base unit AGA starting at c.777; the reference has five copies in a row; two copies, 6 bases duplicated.
Protein change: p.Glu264_Thr265insGluGlu.
Molecular consequence: inframe insertion.
Genome position (GRCh38, 1-based): chr2:127,289,368-127,289,373, TCTTCT duplicated on the plus strand (AGAAGA on the coding strand, the reverse complement: ERCC3 is on the minus strand); duplicating any 6 consecutive bases within chr2:127,289,368-127,289,384 gives the same sequence; the position shown is the placement nearest the transcript's 3' end. VCF-style (leftmost placement, unchanged base first): chr2-127289367-C-CTCTTCT. GRCh37 (hg19) VCF-style: chr2-128046943-C-CTCTTCT.
Other names: c.585AGA[7], p.Glu200_Thr201insGluGlu (NM_001303416.2, NM_001303418.2).
Identifiers: ClinVar variation 4694297 (VCV004694297.1).